The following is an entry in ClinVar:

NM_002880.4(RAF1):c.1337T>C (p.Ile446Thr)

Gene: RAF1 (Raf-1 proto-oncogene, serine/threonine kinase; minus strand). Cytogenetic location: 3p25.2.
Variant type: single nucleotide variant.
Coding change: c.1337T>C on transcript NM_002880.4 (MANE Select); coding-DNA position 1337, T replaced by C.
Protein change: p.Ile446Thr; replaces isoleucine 446 with threonine.
Molecular consequence: missense variant. On other transcripts: non-coding transcript variant (3).
Genome position (GRCh38, 1-based): chr3:12,590,831, A>G on the plus strand (T>C on the coding strand, the complement: RAF1 is on the minus strand). VCF-style: chr3-12590831-A-G. GRCh37 (hg19) VCF-style: chr3-12632330-A-G.
Other names: c.1397T>C, p.Ile466Thr (NM_001354689.3); c.1337T>C, p.Ile446Thr (NM_001354690.3); c.1094T>C, p.Ile365Thr (NM_001354691.3, NM_001354692.3); c.1238T>C, p.Ile413Thr (NM_001354693.3); c.1154T>C, p.Ile385Thr (NM_001354694.3); c.995T>C, p.Ile332Thr (NM_001354695.3); short protein forms I332T, I365T, I385T, I413T, I446T, I466T.
Identifiers: ClinVar variation 3618057 (VCV003618057.2).

ClinVar aggregate classification (germline): Uncertain significance (1 of 4 stars; one submission).

Conditions:
RASopathy. Also called: rasopathies; Noonan spectrum disorder. Identifiers: Orphanet 536391, MedGen C5555857, MONDO:0021060.

gnomAD v4.1: 3 of 1,613,890 alleles (0.00019%); highest among the groups gnomAD compares: Non-Finnish European, 0.00017%; no homozygotes.

Submission:

Labcorp Genetics (formerly Invitae), Labcorp
Classification: Uncertain significance for RASopathy. Last evaluated: 2024-05-04. Review status: criteria provided, single submitter. Criteria: Invitae Variant Classification Sherloc (09022015). Collection method: clinical testing. Allele origin: germline.
Comment: This sequence change replaces isoleucine, which is neutral and non-polar, with threonine, which is neutral and polar, at codon 446 of the RAF1 protein (p.Ile446Thr). This variant is present in population databases (no rsID available, gnomAD 0.007%). This variant has not been reported in the literature in individuals affected with RAF1-related conditions. Advanced modeling of protein sequence and biophysical properties (such as structural, functional, and spatial information, amino acid conservation, physicochemical variation, residue mobility, and thermodynamic stability) performed at Invitae indicates that this missense variant is expected to disrupt RAF1 protein function with a positive predictive value of 95%. In summary, the available evidence is currently insufficient to determine the role of this variant in disease. Therefore, it has been classified as a Variant of Uncertain Significance.